The following is an entry in ClinVar:

ClinVar aggregate classification (germline): Uncertain significance (1 of 4 stars; one submission).

Conditions:
Usher syndrome type 3B. Also called: USHER SYNDROME, TYPE IIIB. Identifiers: MedGen C3281066, MONDO:0013788, OMIM 614504.

Submission:

Labcorp Genetics (formerly Invitae), Labcorp
Classification: Uncertain significance for Usher syndrome type 3B. Last evaluated: 2022-09-27. Review status: criteria provided, single submitter. Criteria: Invitae Variant Classification Sherloc (09022015). Collection method: clinical testing. Allele origin: germline.
Comment: This sequence change creates a premature translational stop signal (p.Gln504*) in the HARS gene. While this is not anticipated to result in nonsense mediated decay, it is expected to disrupt the last 6 amino acid(s) of the HARS protein. This variant is not present in population databases (gnomAD no frequency). This variant has not been reported in the literature in individuals affected with HARS-related conditions. ClinVar contains an entry for this variant (Variation ID: 1680280). Experimental studies and prediction algorithms are not available or were not evaluated, and the functional significance of this variant is currently unknown. In summary, the available evidence is currently insufficient to determine the role of this variant in disease. Therefore, it has been classified as a Variant of Uncertain Significance.

NM_002109.6(HARS1):c.1510C>T (p.Gln504Ter)

Gene: HARS1 (histidyl-tRNA synthetase 1; minus strand). Cytogenetic location: 5q31.3.
Variant type: single nucleotide variant.
Coding change: c.1510C>T on transcript NM_002109.6 (MANE Select); coding-DNA position 1510, C replaced by T.
Protein change: p.Gln504Ter; replaces glutamine 504 with a stop codon.
Molecular consequence: nonsense.
Genome position (GRCh38, 1-based): chr5:140,674,277, G>A on the plus strand (C>T on the coding strand, the complement: HARS1 is on the minus strand). VCF-style: chr5-140674277-G-A. GRCh37 (hg19) VCF-style: chr5-140053862-G-A.
Other names: c.1423C>T, p.Gln475Ter (NM_001289094.2); c.1390C>T, p.Gln464Ter (NM_001258040.3); c.1450C>T, p.Gln484Ter (NM_001258041.3); c.1330C>T, p.Gln444Ter (NM_001258042.3); c.1288C>T, p.Gln430Ter (NM_001289092.2); c.1168C>T, p.Gln390Ter (NM_001289093.2); short protein forms Q390*, Q430*, Q444*, Q464*, Q475*, Q484*, Q504*.
Identifiers: ClinVar variation 1680280 (VCV001680280.6), dbSNP rs2149818394, ClinGen allele CA361245483.